The following is an entry in ClinVar:

ClinVar aggregate classification (germline): Conflicting classifications of pathogenicity. Review status: criteria provided, conflicting classifications (1 of 4 stars). 8 submissions from 8 submitters: Uncertain significance (7); Likely benign (1). Last evaluated 2026-05-07.

Conditions:
ALPK3-related disorder. Also called: ALPK3-related condition.
Cardiomyopathy, familial hypertrophic 27. Identifiers: MedGen C4748014, MONDO:0054838, OMIM 618052.
Cardiovascular phenotype. Identifiers: MedGen CN230736.

Allele frequency attached by ClinVar (database versions not stated): TOPMed 0.00005; ExAC 0.00008; ESP Exome Variant Server 0.00008; gnomAD exomes 0.00011.
gnomAD v4.1: 119 of 1,614,114 alleles (0.0074%); highest among the groups gnomAD compares: Middle Eastern, 0.082%; no homozygotes.

Submissions (8):

PreventionGenetics, part of Exact Sciences
Classification: Uncertain significance for ALPK3-related condition. Last evaluated: 2026-05-07. Review status: criteria provided, single submitter. Criteria: ACMG Guidelines, 2015. Collection method: clinical testing. Allele origin: germline.
Comment: The ALPK3 c.5054A>G variant is predicted to result in the amino acid substitution p.Lys1685Arg. This variant has been reported as a variant of uncertain significance in the heterozygous state in an individual with hypertrophic cardiomyopathy (Supplementary Table IV, Herkert et al. 2020. PubMed ID: 32480058). This variant is reported in 0.042% of alleles in individuals of South Asian descent in gnomAD. At this time, the clinical significance of this variant is uncertain due to the absence of conclusive functional and genetic evidence.

Labcorp Genetics (formerly Invitae), Labcorp
Classification: Uncertain significance. Last evaluated: 2025-12-24. Review status: criteria provided, single submitter. Criteria: Invitae Variant Classification Sherloc (09022015). Collection method: clinical testing. Allele origin: germline.
Comment: This sequence change replaces lysine, which is basic and polar, with arginine, which is basic and polar, at codon 1685 of the ALPK3 protein (p.Lys1685Arg). This variant is present in population databases (rs367667489, gnomAD 0.04%). This missense change has been observed in individual(s) with hypertrophic cardiomyopathy (PMID: 32480058). ClinVar contains an entry for this variant (Variation ID: 424287). Invitae Evidence Modeling of protein sequence and biophysical properties (such as structural, functional, and spatial information, amino acid conservation, physicochemical variation, residue mobility, and thermodynamic stability) indicates that this missense variant is not expected to disrupt ALPK3 protein function with a negative predictive value of 80%. In summary, the available evidence is currently insufficient to determine the role of this variant in disease. Therefore, it has been classified as a Variant of Uncertain Significance.

CeGaT Center for Human Genetics Tuebingen
Classification: Uncertain significance. Last evaluated: 2024-07-01. Review status: criteria provided, single submitter. Criteria: CeGaT Center For Human Genetics Tuebingen Variant Classification Criteria Version 2. Collection method: clinical testing. Allele origin: germline. Affected: yes. Observed: 1 variant allele.
Comment: ALPK3: PM2

GeneDx
Classification: Uncertain significance. Last evaluated: 2024-06-21. Review status: criteria provided, single submitter. Criteria: GeneDx Variant Classification Process June 2021. Collection method: clinical testing. Allele origin: germline. Affected: yes.
Comment: Identified in a patient with HCM in published literature (PMID: 32480058); In silico analysis supports that this missense variant has a deleterious effect on protein structure/function; Also known as c.5054A>G, p.(Lys1685Arg); This variant is associated with the following publications: (PMID: 32480058)

ARUP Laboratories, Molecular Genetics and Genomics, ARUP Laboratories
Classification: Uncertain significance for Cardiomyopathy, familial hypertrophic 27. Last evaluated: 2024-04-10. Review status: criteria provided, single submitter. Criteria: ARUP Molecular Germline Variant Investigation Process 2024. Collection method: clinical testing. Allele origin: germline.
Comment: The ALPK3 c.4448A>G; p.Lys1483Arg variant (rs367667489), also known as c.5054A>G; p.Lys1685Arg in transcript NM_020778.4, is reported in the literature in an individual affected with hypertrophic cardiomyopathy, although it was not demonstrated to be disease-causing (Herkert 2020). This variant is found in the South Asian population with an allele frequency of 0.04% (13/30,606 alleles) in the Genome Aggregation Database (v2.1.1). Computational analyses are uncertain whether this variant is neutral or deleterious (REVEL: 0.258). Due to limited information, the clinical significance of this variant is uncertain at this time. References: Herkert JC et al. Expanding the clinical and genetic spectrum of ALPK3 variants: Phenotypes identified in pediatric cardiomyopathy patients and adults with heterozygous variants. Am Heart J. 2020 Jul;225:108-119. PMID: 32480058.

Ambry Genetics
Classification: Likely benign for Cardiovascular phenotype. Last evaluated: 2024-02-21. Review status: criteria provided, single submitter. Criteria: Ambry Variant Classification Scheme 2023. Collection method: clinical testing. Allele origin: germline.

Revvity Omics, Revvity
Classification: Uncertain significance for Cardiomyopathy, familial hypertrophic 27. Last evaluated: 2020-11-05. Review status: criteria provided, single submitter. Criteria: ACMG Guidelines, 2015. Collection method: clinical testing. Allele origin: germline.

Breakthrough Genomics
Classification: Uncertain significance. Review status: criteria provided, single submitter. Criteria: ACMG Guidelines, 2015. Collection method: not provided. Allele origin: germline. Inheritance: Autosomal recessive inheritance. Affected: yes.

Literature cited by the submitters: PubMed 32480058 (cited by Labcorp Genetics (formerly Invitae), Labcorp and Ambry Genetics).

NM_020778.5(ALPK3):c.4448A>G (p.Lys1483Arg)

Gene: ALPK3 (alpha kinase 3; plus strand). Cytogenetic location: 15q25.3.
Variant type: single nucleotide variant.
Coding change: c.4448A>G on transcript NM_020778.5 (MANE Select); coding-DNA position 4448, A replaced by G.
Protein change: p.Lys1483Arg; replaces lysine 1483 with arginine.
Molecular consequence: missense variant.
Genome position (GRCh38, 1-based): chr15:84,863,589, A>G. VCF-style: chr15-84863589-A-G. GRCh37 (hg19) VCF-style: chr15-85406820-A-G.
Other names: short protein forms K1685R, K1483R.
Identifiers: ClinVar variation 424287 (VCV000424287.34), dbSNP rs367667489, ClinGen allele CA7709971.
Genomic context (GRCh38, chr15:84,863,589, plus strand): 5'-ACATTTGGTTCCCTCATCCACAGGGGTGCAAGATCCAGAACATGAGTCGGGAGTACTGCA[A>G]AATCTTCGCAGCAGAAGCCCGGGCCGCGCCTGGCTTTGGGGAGGTGCCTGAGTAAGTACG-3'
Protein context (NP_065829.4, residues 1473-1493): KIQNMSREYC[Lys1483Arg]IFAAEARAAP